The following is an entry in ClinVar:

ClinVar aggregate classification (germline): Likely pathogenic. Review status: criteria provided, multiple submitters, no conflicts (2 of 4 stars). 3 submissions from 3 submitters: Likely pathogenic (2). 1 of the submissions does not count toward it. Last evaluated 2023-11-04.

Conditions:
Alzheimer disease 3 (AD3). Also called: ALZHEIMER DISEASE, FAMILIAL, 3. Identifiers: Orphanet 1020, MedGen C1843013, MONDO:0011913, OMIM 607822.
Acne inversa, familial, 3 (ACNINV3). Identifiers: MedGen C3151038, MONDO:0013398, OMIM 613737.
Frontotemporal dementia (FTD1). Also called: FRONTOTEMPORAL DEMENTIA WITH PARKINSONISM; FRONTOTEMPORAL LOBE DEMENTIA; FRONTOTEMPORAL LOBAR DEGENERATION WITH TAU INCLUSIONS; FTLD WITH TAU INCLUSIONS; Frontotemporal Dementia with Parkinsonism-17 (FTDP-17); MULTIPLE SYSTEM TAUOPATHY WITH PRESENILE DEMENTIA. Identifiers: Orphanet 282, MedGen C0338451, MONDO:0017276, OMIM 600274, HP:0002145.
Pick disease. Also called: PICK DISEASE OF BRAIN; DEMENTIA WITH LOBAR ATROPHY AND NEURONAL CYTOPLASMIC INCLUSIONS; LOBAR ATROPHY OF BRAIN; Pick's disease; Pick Disease of the Brain. Identifiers: Orphanet 282, MedGen C0236642, MONDO:0008243, OMIM 172700.
Alzheimer disease familial 3, with spastic paraparesis. Identifiers: MedGen C4015782.

Submissions (3):

Labcorp Genetics (formerly Invitae), Labcorp
Classification: Likely pathogenic for Alzheimer disease 3; Pick disease; Acne inversa, familial, 3; Frontotemporal dementia. Last evaluated: 2023-11-04. Review status: criteria provided, single submitter. Criteria: Invitae Variant Classification Sherloc (09022015). Collection method: clinical testing. Allele origin: germline.
Comment: This sequence change replaces leucine, which is neutral and non-polar, with phenylalanine, which is neutral and non-polar, at codon 381 of the PSEN1 protein (p.Leu381Phe). This variant is not present in population databases (gnomAD no frequency). This missense change has been observed in individuals with clinical features of early-onset Alzheimer disease (PMID: 24121961; Invitae). ClinVar contains an entry for this variant (Variation ID: 120170). Advanced modeling of protein sequence and biophysical properties (such as structural, functional, and spatial information, amino acid conservation, physicochemical variation, residue mobility, and thermodynamic stability) performed at Invitae indicates that this missense variant is expected to disrupt PSEN1 protein function with a positive predictive value of 80%. Experimental studies have shown that this missense change affects PSEN1 function (PMID: 35365805). This variant disrupts the p.Leu381 amino acid residue in PSEN1. Other variant(s) that disrupt this residue have been determined to be pathogenic (PMID: 27930341, 34776449). This suggests that this residue is clinically significant, and that variants that disrupt this residue are likely to be disease-causing. In summary, the currently available evidence indicates that the variant is pathogenic, but additional data are needed to prove that conclusively. Therefore, this variant has been classified as Likely Pathogenic.

Undiagnosed Diseases Network, NIH
Classification: Likely pathogenic for Alzheimer disease 3. Last evaluated: 2017-11-17. Review status: criteria provided, single submitter. Criteria: ACMG Guidelines, 2015. Collection method: clinical testing. Allele origin: unknown. Inheritance: Autosomal dominant inheritance. Affected: yes. Observed: 1 variant allele, 1 heterozygote. Study: Undiagnosed Diseases Network (NIH), UDN.
Comment: The family has been published by another group in PMID:24121961.

OMIM
Classification: Pathogenic for ALZHEIMER DISEASE, FAMILIAL, 3, WITH SPASTIC PARAPARESIS. Last evaluated: 2014-01-01. Review status: no assertion criteria provided. Collection method: literature only. Allele origin: germline. Not counted in ClinVar's aggregate classification.

Literature cited by the submitters: PubMed 24121961 (cited by 3 submitters); PubMed 35365805 (cited by Labcorp Genetics (formerly Invitae), Labcorp); PubMed 27930341 (cited by Labcorp Genetics (formerly Invitae), Labcorp); PubMed 34776449 (cited by Labcorp Genetics (formerly Invitae), Labcorp).

NM_000021.4(PSEN1):c.1141C>T (p.Leu381Phe)

Gene: PSEN1 (presenilin 1; plus strand). Cytogenetic location: 14q24.2.
Variant type: single nucleotide variant.
Coding change: c.1141C>T on transcript NM_000021.4 (MANE Select); coding-DNA position 1141, C replaced by T.
Protein change: p.Leu381Phe; replaces leucine 381 with phenylalanine.
Molecular consequence: missense variant.
Genome position (GRCh38, 1-based): chr14:73,217,137, C>T. VCF-style: chr14-73217137-C-T. GRCh37 (hg19) VCF-style: chr14-73683845-C-T.
Other names: c.1129C>T, p.Leu377Phe (NM_007318.3); short protein forms L381F, L377F.
Identifiers: ClinVar variation 120170 (VCV000120170.6), dbSNP rs63750687, ClinGen allele CA150766.